The following is an entry in ClinVar:

ClinVar aggregate classification (germline): Uncertain significance. Review status: criteria provided, multiple submitters, no conflicts (2 of 4 stars). 3 submissions from 3 submitters: Uncertain significance (3). Last evaluated 2025-05-12.

Conditions:
SYNE1-related disorder. Also called: SYNE1-related disease; SYNE1-related condition; SYNE1-related disorders.
Autosomal recessive ataxia, Beauce type. Also called: ATAXIA, RECESSIVE, OF BEAUCE; Spinocerebellar ataxia, autosomal recessive 8; SYNE1 Deficiency; SYNE1-Related Autosomal Recessive Cerebellar Ataxia. Identifiers: Orphanet 88644, MedGen C1853116, MONDO:0012549, OMIM 610743.
Emery-Dreifuss muscular dystrophy 4, autosomal dominant (EDMD4). Also called: EMERY-DREIFUSS MUSCULAR DYSTROPHY 4 WITH VARIABLE FEATURES. Identifiers: Orphanet 261, MedGen C2751807, MONDO:0013071, OMIM 612998.

Allele frequency attached by ClinVar (database versions not stated): gnomAD exomes below 0.00001.
gnomAD v4.1: 4 of 1,614,146 alleles (0.00025%); highest among the groups gnomAD compares: Admixed American, 0.0033%; no homozygotes.

Submissions (3):

PreventionGenetics, part of Exact Sciences
Classification: Uncertain significance for SYNE1-related condition. Last evaluated: 2025-05-12. Review status: criteria provided, single submitter. Criteria: ACMG Guidelines, 2015. Collection method: clinical testing. Allele origin: germline.
Comment: The SYNE1 c.10564C>T variant is predicted to result in the amino acid substitution p.Leu3522Phe. To our knowledge, this variant has not been reported in the literature. This variant is reported in 0.0029% of alleles in individuals of Latino descent in gnomAD. At this time, the clinical significance of this variant is uncertain due to the absence of conclusive functional and genetic evidence.

Labcorp Genetics (formerly Invitae), Labcorp
Classification: Uncertain significance for Emery-Dreifuss muscular dystrophy 4, autosomal dominant; Autosomal recessive ataxia, Beauce type. Last evaluated: 2024-01-22. Review status: criteria provided, single submitter. Criteria: Invitae Variant Classification Sherloc (09022015). Collection method: clinical testing. Allele origin: germline.
Comment: This sequence change replaces leucine, which is neutral and non-polar, with phenylalanine, which is neutral and non-polar, at codon 3522 of the SYNE1 protein (p.Leu3522Phe). This variant is present in population databases (no rsID available, gnomAD 0.003%). This variant has not been reported in the literature in individuals affected with SYNE1-related conditions. ClinVar contains an entry for this variant (Variation ID: 1021529). An algorithm developed to predict the effect of missense changes on protein structure and function (PolyPhen-2) suggests that this variant is likely to be disruptive. In summary, the available evidence is currently insufficient to determine the role of this variant in disease. Therefore, it has been classified as a Variant of Uncertain Significance.

GeneDx
Classification: Uncertain significance. Last evaluated: 2023-11-01. Review status: criteria provided, single submitter. Criteria: GeneDx Variant Classification Process June 2021. Collection method: clinical testing. Allele origin: germline. Affected: yes.
Comment: Not observed at significant frequency in large population cohorts (gnomAD); In silico analysis supports that this missense variant does not alter protein structure/function; Has not been previously published as pathogenic or benign to our knowledge

NM_182961.4(SYNE1):c.10543C>T (p.Leu3515Phe)

Gene: SYNE1 (spectrin repeat containing nuclear envelope protein 1; minus strand). Cytogenetic location: 6q25.2.
Variant type: single nucleotide variant.
Coding change: c.10543C>T on transcript NM_182961.4 (MANE Select); coding-DNA position 10543, C replaced by T.
Protein change: p.Leu3515Phe; replaces leucine 3515 with phenylalanine.
Molecular consequence: missense variant.
Genome position (GRCh38, 1-based): chr6:152,358,438, G>A on the plus strand (C>T on the coding strand, the complement: SYNE1 is on the minus strand). VCF-style: chr6-152358438-G-A. GRCh37 (hg19) VCF-style: chr6-152679573-G-A.
Other names: c.10564C>T, p.Leu3522Phe (NM_033071.5); c.10564C>T (NM_033071.3); short protein forms L3515F, L3522F.
Identifiers: ClinVar variation 1021529 (VCV001021529.11), dbSNP rs1447737732, ClinGen allele CA366127752.